The following is an entry in ClinVar:

NM_003801.4(GPAA1):c.49G>T (p.Val17Leu)

Genes: GPAA1 (glycosylphosphatidylinositol anchor attachment 1; plus strand), LOC130001364 (ATAC-STARR-seq lymphoblastoid silent region 19654; plus strand). Cytogenetic location: 8q24.3.
Variant type: single nucleotide variant.
Coding change: c.49G>T on transcript NM_003801.4 (MANE Select); coding-DNA position 49, G replaced by T.
Protein change: p.Val17Leu; replaces valine 17 with leucine.
Molecular consequence: missense variant.
Genome position (GRCh38, 1-based): chr8:144,082,779, G>T. VCF-style: chr8-144082779-G-T. GRCh37 (hg19) VCF-style: chr8-145137682-G-T.
Other names: c.49G>T (NM_003801.3); short protein forms V17L.
Identifiers: ClinVar variation 1375678 (VCV001375678.6), dbSNP rs545501388, ClinGen allele CA4932687.

ClinVar aggregate classification (germline): Uncertain significance. Review status: criteria provided, multiple submitters, no conflicts (2 of 4 stars). 2 submissions from 2 submitters: Uncertain significance (2). Last evaluated 2022-07-06.

Conditions:
Inborn genetic diseases. Identifiers: MedGen C0950123, MeSH D030342.

Allele frequency attached by ClinVar (database versions not stated): gnomAD exomes 0.00002 and 0.00003; 1000 Genomes Project 30x 0.00031; 1000 Genomes Project 0.00040.

Submissions (2):

Labcorp Genetics (formerly Invitae), Labcorp
Classification: Uncertain significance. Last evaluated: 2022-07-06. Review status: criteria provided, single submitter. Criteria: Invitae Variant Classification Sherloc (09022015). Collection method: clinical testing. Allele origin: germline.
Comment: This sequence change replaces valine, which is neutral and non-polar, with leucine, which is neutral and non-polar, at codon 17 of the GPAA1 protein (p.Val17Leu). The frequency data for this variant in the population databases is considered unreliable, as metrics indicate poor data quality at this position in the gnomAD database. This variant has not been reported in the literature in individuals affected with GPAA1-related conditions. ClinVar contains an entry for this variant (Variation ID: 1375678). Algorithms developed to predict the effect of missense changes on protein structure and function output the following: SIFT: "Tolerated"; PolyPhen-2: "Benign"; Align-GVGD: "Class C0". The leucine amino acid residue is found in multiple mammalian species, which suggests that this missense change does not adversely affect protein function. In summary, the available evidence is currently insufficient to determine the role of this variant in disease. Therefore, it has been classified as a Variant of Uncertain Significance.

Ambry Genetics
Classification: Uncertain significance for Inborn genetic diseases. Last evaluated: 2021-06-15. Review status: criteria provided, single submitter. Criteria: Ambry Variant Classification Scheme 2023. Collection method: clinical testing. Allele origin: germline.